The following is an entry in ClinVar:

ClinVar aggregate classification (germline): Uncertain significance (1 of 4 stars; one submission).

Conditions:
Emery-Dreifuss muscular dystrophy (EDMD). Also called: Scapuloperoneal syndrome, X-linked (formerly); Humeroperoneal neuromuscular disease, (formerly). Identifiers: Orphanet 261, MedGen C0410189, MONDO:0016830.

Allele frequency attached by ClinVar (database versions not stated): gnomAD exomes below 0.00001; TOPMed 0.00001.
gnomAD v4.1: 9 of 1,614,184 alleles (0.00056%); highest among the groups gnomAD compares: East Asian, 0.0022%; no homozygotes.

Submission:

Labcorp Genetics (formerly Invitae), Labcorp
Classification: Uncertain significance for Emery-Dreifuss muscular dystrophy. Last evaluated: 2020-08-22. Review status: criteria provided, single submitter. Criteria: Invitae Variant Classification Sherloc (09022015). Collection method: clinical testing. Allele origin: germline.
Comment: This variant has not been reported in the literature in individuals with SUN1-related conditions. This variant is not present in population databases (ExAC no frequency). This sequence change creates a premature translational stop signal (p.Arg287*) in the SUN1 gene. It is expected to result in an absent or disrupted protein product. The current clinical and genetic evidence is not sufficient to establish whether loss-of-function variants in SUN1 cause disease. In summary, the available evidence is currently insufficient to determine the role of this variant in disease. Therefore, it has been classified as a Variant of Uncertain Significance.

NM_001130965.3(SUN1):c.859C>T (p.Arg287Ter)

Gene: SUN1 (Sad1 and UNC84 domain containing 1; plus strand). Cytogenetic location: 7p22.3.
Variant type: single nucleotide variant.
Coding change: c.859C>T on transcript NM_001130965.3 (MANE Select); coding-DNA position 859, C replaced by T.
Protein change: p.Arg287Ter; replaces arginine 287 with a stop codon.
Molecular consequence: nonsense. On other transcripts: non-coding transcript variant (3), missense variant (1).
Genome position (GRCh38, 1-based): chr7:852,616, C>T. VCF-style: chr7-852616-C-T. GRCh37 (hg19) VCF-style: chr7-892253-C-T.
Other names: c.970C>T, p.Arg324Ter (NM_001367664.1, NM_001367685.1, NM_001367696.1 and 1 more transcripts); c.859C>T, p.Arg287Ter (NM_001367665.1, NM_001367672.1, NM_001367694.1 and 3 more transcripts); c.1102C>T, p.Arg368Ter (NM_001367666.1, NM_001367691.1, NM_001367636.1 and 1 more transcripts); c.820C>T, p.Arg274Ter (NM_001367667.1, NM_001367689.1, NM_001367679.1 and 1 more transcripts); c.904C>T, p.Arg302Ter (NM_001367668.1, NM_001367647.1, NM_001367649.1); c.886C>T, p.Arg296Ter (NM_001367669.1); c.709C>T, p.Arg237Ter (NM_001367670.1, NM_001367671.1, NM_001367660.1 and 1 more transcripts); c.991C>T, p.Arg331Ter (NM_001367673.1, NM_001367706.1, NM_001367646.1); and 24 more; short protein forms R135*, R170*, R185*, R204*, R232*, R237*, R241*, R261*.
Identifiers: ClinVar variation 1015889 (VCV001015889.6), dbSNP rs961930316, ClinGen allele CA152351850.
Genomic context (GRCh38, chr7:852,616, plus strand): 5'-TGAACCCTGACTTTCATTTTTTCTAAGTCAAAGGTTTTCATTGTTACTCCCAGGTGCCTT[C>T]GAAACATCTGCAAGTTTTTAGTCTTGCTCATCCCACTCTTCCTTTTACTAGGTAAGTCAA-3'